The following is an entry in ClinVar:

NM_020778.5(ALPK3):c.3874C>G (p.Leu1292Val)

Gene: ALPK3 (alpha kinase 3; plus strand). Cytogenetic location: 15q25.3.
Variant type: single nucleotide variant.
Coding change: c.3874C>G on transcript NM_020778.5 (MANE Select); coding-DNA position 3874, C replaced by G.
Protein change: p.Leu1292Val; replaces leucine 1292 with valine.
Molecular consequence: missense variant.
Genome position (GRCh38, 1-based): chr15:84,859,299, C>G. VCF-style: chr15-84859299-C-G. GRCh37 (hg19) VCF-style: chr15-85402530-C-G.
Other names: short protein forms L1292V.
Identifiers: ClinVar variation 4995444 (VCV004995444.1).
Genomic context (GRCh38, chr15:84,859,299, plus strand): 5'-TCAGCCCCACAGGTGATCCGGAAGATTCGGGTGGAGCAGTTTCCTGATGCCTCCGGTAGC[C>G]TGAAGCTGTGGTGCCAGTTTTTCAACATTCTTAGTGACTCAGTCTTGACATGGGCCAAGG-3'
Protein context (NP_065829.4, residues 1282-1302): VEQFPDASGS[Leu1292Val]KLWCQFFNIL

ClinVar aggregate classification (germline): Uncertain significance (1 of 4 stars; one submission).

Conditions:
ALPK3-related disorder. Also called: ALPK3-related condition.

Submission:

PreventionGenetics, part of Exact Sciences
Classification: Uncertain significance for ALPK3-related condition. Last evaluated: 2026-01-22. Review status: criteria provided, single submitter. Criteria: ACMG Guidelines, 2015. Collection method: clinical testing. Allele origin: germline.
Comment: The ALPK3 c.4480C>G variant is predicted to result in the amino acid substitution p.Leu1494Val. To our knowledge, this variant has not been reported in the literature or in a large population database (gnomAD), indicating this variant is rare. At this time, the clinical significance of this variant is uncertain due to the absence of conclusive functional and genetic evidence.